The following is an entry in ClinVar:

ClinVar aggregate classification (germline): Uncertain significance (1 of 4 stars; one submission).

Conditions:
Hereditary pancreatitis (PCTT). Also called: Hereditary chronic pancreatitis; PRSS1-Related Hereditary Pancreatitis. Identifiers: Orphanet 676, MedGen C0238339, MONDO:0008185, OMIM 167800.

Submission:

Labcorp Genetics (formerly Invitae), Labcorp
Classification: Uncertain significance for Hereditary pancreatitis. Last evaluated: 2025-12-20. Review status: criteria provided, single submitter. Criteria: Invitae Variant Classification Sherloc (09022015). Collection method: clinical testing. Allele origin: germline.
Comment: This sequence change affects a donor splice site in intron 1 of the PRSS1 gene. It is expected to disrupt RNA splicing. Variants that disrupt the donor or acceptor splice site typically lead to a loss of protein function (PMID: 16199547), however the current clinical and genetic evidence is not sufficient to establish whether loss-of-function variants in PRSS1 cause disease. This variant is not present in population databases (gnomAD no frequency). This variant has not been reported in the literature in individuals affected with PRSS1-related conditions. Algorithms developed to predict the effect of sequence changes on RNA splicing suggest that this variant may disrupt the consensus splice site. In summary, the available evidence is currently insufficient to determine the role of this variant in disease. Therefore, it has been classified as a Variant of Uncertain Significance.

Literature cited by the submitters: PubMed 16199547.

NM_002769.5(PRSS1):c.40+2T>A

Genes: PRSS1 (serine protease 1; plus strand), TRB (T cell receptor beta locus; plus strand). Cytogenetic location: 7q34.
Variant type: single nucleotide variant.
Coding change: c.40+2T>A on transcript NM_002769.5 (MANE Select); the canonical splice donor site of the intron after coding-DNA position 40, T replaced by A.
Molecular consequence: splice donor variant.
Genome position (GRCh38, 1-based): chr7:142,749,526, T>A. VCF-style: chr7-142749526-T-A. GRCh37 (hg19) VCF-style: chr7-142457377-T-A.
Identifiers: ClinVar variation 4729648 (VCV004729648.1).